The following is an entry in ClinVar:

NM_001710.6(CFB):c.1400A>T (p.Gln467Leu)

Gene: CFB (complement factor B; plus strand). Cytogenetic location: 6p21.33.
Variant type: single nucleotide variant.
Coding change: c.1400A>T on transcript NM_001710.6 (MANE Select); coding-DNA position 1400, A replaced by T.
Protein change: p.Gln467Leu; replaces glutamine 467 with leucine.
Molecular consequence: missense variant.
Genome position (GRCh38, 1-based): chr6:31,949,549, A>T. VCF-style: chr6-31949549-A-T. GRCh37 (hg19) VCF-style: chr6-31917326-A-T.
Other names: short protein forms Q467L.
Identifiers: ClinVar variation 2816470 (VCV002816470.3), dbSNP rs2482696810, ClinGen allele CA363404217.

ClinVar aggregate classification (germline): Uncertain significance (1 of 4 stars; one submission).

Submission:

Labcorp Genetics (formerly Invitae), Labcorp
Classification: Uncertain significance. Last evaluated: 2022-11-24. Review status: criteria provided, single submitter. Criteria: Invitae Variant Classification Sherloc (09022015). Collection method: clinical testing. Allele origin: germline.
Comment: In summary, the available evidence is currently insufficient to determine the role of this variant in disease. Therefore, it has been classified as a Variant of Uncertain Significance. Advanced modeling of protein sequence and biophysical properties (such as structural, functional, and spatial information, amino acid conservation, physicochemical variation, residue mobility, and thermodynamic stability) performed at Invitae indicates that this missense variant is not expected to disrupt CFB protein function. This variant has not been reported in the literature in individuals affected with CFB-related conditions. This variant is not present in population databases (gnomAD no frequency). This sequence change replaces glutamine, which is neutral and polar, with leucine, which is neutral and non-polar, at codon 467 of the CFB protein (p.Gln467Leu).